The following is an entry in ClinVar:

ClinVar aggregate classification (germline): Pathogenic (1 of 4 stars; one submission).

Conditions:
Neuromuscular disease caused by qualitative or quantitative defects of dysferlin. Also called: Qualitative or quantitative defects of dysferlin; Dysferlinopathy. Identifiers: Orphanet 207073, MedGen C2931687, MONDO:0016145.

Submission:

Labcorp Genetics (formerly Invitae), Labcorp
Classification: Pathogenic for Neuromuscular disease caused by qualitative or quantitative defects of dysferlin. Last evaluated: 2023-10-22. Review status: criteria provided, single submitter. Criteria: Invitae Variant Classification Sherloc (09022015). Collection method: clinical testing. Allele origin: germline.
Comment: This sequence change creates a premature translational stop signal (p.Leu981Phefs*76) in the DYSF gene. It is expected to result in an absent or disrupted protein product. Loss-of-function variants in DYSF are known to be pathogenic (PMID: 17698709, 20301480). This variant is not present in population databases (gnomAD no frequency). This premature translational stop signal has been observed in individual(s) with dysferlinopathies (PMID: 25591676, 27647186). ClinVar contains an entry for this variant (Variation ID: 955833). For these reasons, this variant has been classified as Pathogenic.

Literature cited by the submitters: PubMed 17698709; PubMed 20301480; PubMed 25591676; PubMed 27647186.

NM_001130987.2(DYSF):c.2994del (p.Leu999fs)

Gene: DYSF (dysferlin; plus strand). Cytogenetic location: 2p13.2.
Variant type: Deletion.
Coding change: c.2994del on transcript NM_001130987.2 (MANE Select); coding-DNA position 2994, one base deleted (G; older notation c.2994delG).
Protein change: p.Leu999fs; shifts the reading frame from leucine 999.
Molecular consequence: frameshift variant.
Genome position (GRCh38, 1-based): chr2:71,570,243, G deleted. VCF-style (leftmost placement, unchanged base first): chr2-71570242-TG-T. GRCh37 (hg19) VCF-style: chr2-71797372-TG-T.
Other names: c.2943del, p.Leu982fs (NM_001130455.2, NM_001130983.2); c.2898del, p.Leu967fs (NM_001130976.2, NM_001130977.2); c.2940del, p.Leu981fs (NM_001130978.2, NM_003494.4); c.3033del, p.Leu1012fs (NM_001130979.2); c.2991del, p.Leu998fs (NM_001130980.2, NM_001130981.2); c.3036del, p.Leu1013fs (NM_001130982.2); c.2901del, p.Leu968fs (NM_001130984.2, NM_001130986.2); c.2994del, p.Leu999fs (NM_001130985.2); short protein forms L1013fs, L982fs, L1012fs, L968fs, L998fs, L999fs, L967fs, L981fs.
Identifiers: ClinVar variation 955833 (VCV000955833.9), dbSNP rs2092340996, ClinGen allele CA1139657083.